The following continues an entry in ClinVar:

NM_000179.3(MSH6):c.884A>G (p.Lys295Arg)

Gene: MSH6. ClinVar aggregate classification (germline): Conflicting classifications of pathogenicity. Uncertain significance (11); Likely benign (8).

Submissions 13 to 21 of 21:

Sema4
Classification: Uncertain significance for Hereditary cancer-predisposing syndrome. Last evaluated: 2021-10-07. Review status: criteria provided, single submitter. Criteria: Sema4 Curation Guidelines. Collection method: curation. Allele origin: germline.
Comment: The MSH6 c.884A>G (p.K295R) variant has been reported in individuals with colorectal cancer, breast cancer, ovarian cancer, Lynch syndrome, or multiple colorectal adenomas (PMID: 26845104, 26689913, 30093976, 23047549, 18566915, 16010685, 28944238, 31391288). This variant has also been reported in 21/60466 breast cancer cases and 29/53461 healthy controls by a large case-control study (PMID: 33471991). A localization study demonstrated the normal function of the protein (PMID: 21437237). This variant was observed in 23/129030 chromosomes in the Non-Finnish European population, with no homozygotes, according to the Genome Aggregation Database (PMID: 32461654). The variant has been reported in ClinVar (Variation ID: 89573). The evidence is insufficient to meet ACMG/AMP criteria for classifying the variant as benign or pathogenic. Thus, the clinical significance of this variant is currently uncertain.

GeneDx
Classification: Likely benign. Last evaluated: 2021-03-08. Review status: criteria provided, single submitter. Criteria: GeneDx Variant Classification Process June 2021. Collection method: clinical testing. Allele origin: germline. Affected: yes.
Comment: This variant is associated with the following publications: (PMID: 21437237, 18566915, 23621914, 16010685, 26333163, 26689913, 23047549, 26845104)

Ambry Genetics
Classification: Likely benign for Hereditary cancer-predisposing syndrome. Last evaluated: 2019-06-17. Review status: criteria provided, single submitter. Criteria: Ambry Variant Classification Scheme 2023. Collection method: clinical testing. Allele origin: germline.

Illumina Laboratory Services, Illumina
Classification: Uncertain significance for Lynch syndrome 5. Last evaluated: 2018-08-16. Review status: criteria provided, single submitter. Criteria: ICSL Variant Classification Criteria 13 December 2019. Collection method: clinical testing. Allele origin: germline.
Comment: This variant was observed as part of a predisposition screen in an ostensibly healthy population. A literature search was performed for the gene, cDNA change, and amino acid change (where applicable). Publications were found based on this search. However, the evidence from the literature, in combination with allele frequency data from public databases where available, was not sufficient to rule this variant in or out of causing disease. Therefore, this variant is classified as a variant of unknown significance.

CeGaT Center for Human Genetics Tuebingen
Classification: Uncertain significance. Last evaluated: 2017-05-01. Review status: criteria provided, single submitter. Criteria: CeGaT Center For Human Genetics Tuebingen Variant Classification Criteria Version 2. Collection method: clinical testing. Allele origin: germline. Affected: yes. Observed: 1 variant allele.

Laboratory for Molecular Medicine, Mass General Brigham Personalized Medicine
Classification: Uncertain significance. Last evaluated: 2016-03-28. Review status: criteria provided, single submitter. Criteria: LMM Criteria. Collection method: clinical testing. Allele origin: germline.
Comment: Variant identified in a genome or exome case(s) and assessed due to predicted null impact of the variant or pathogenic assertions in the literature or databases. Disclaimer: This variant has not undergone full assessment. The following are preliminary notes: 1 paper, no segs, ExAC: 0.02% (12/66598) European chromosomes

University of Washington Department of Laboratory Medicine, University of Washington
Classification: Uncertain significance for Hereditary nonpolyposis colon cancer. Last evaluated: 2015-11-20. Review status: criteria provided, single submitter. Criteria: Shirts et al. (Genet Med 2016). Collection method: clinical testing. Allele origin: germline. Affected: yes and no. Observed: 2 variant alleles.

Counsyl
Classification: Uncertain significance for Lynch syndrome 5. Last evaluated: 2015-11-18. Review status: no assertion criteria provided. Collection method: clinical testing. Allele origin: unknown. Not counted in ClinVar's aggregate classification.

Department of Pathology and Laboratory Medicine, Sinai Health System
Classification: Uncertain significance. Review status: no assertion criteria provided. Collection method: clinical testing. Allele origin: unknown. Affected: yes. Study: The Canadian Open Genetics Repository (COGR). Not counted in ClinVar's aggregate classification.
Comment: The MSH6 p.Lys295Arg variant was identified in 4 of 8180 proband chromosomes (frequency: 0.0005) from individuals or families with breast or colorectal cancer (Colley 2005, Nilbert 2009, Pal 2012, Shirts 2015). The variant was also identified in dbSNP (ID: rs267608051) as "With Uncertain significance allele ", ClinVar (classified as uncertain significance by InSight, GeneDx, Ambry Genetics, Invitae, Counsyl and five clinical laboratories), UMD-LSDB (2x as unclassified variant), Mismatch Repair Genes Variant Database, and in Insight Hereditary Tumors (2x) databases. The variant was not identified in GeneInsight-COGR, Cosmic, MutDB, or Zhejiang University, databases. The variant was identified in control databases in 26 of 276994 chromosomes at a frequency of 0.00009 increasing the likelihood this could be a low frequency benign variant (Genome Aggregation Database Feb 27, 2017). The variant was observed in the following populations: Latino in 1 of 34408 chromosomes (freq: 0.00003), European in 23 of 126552 chromosomes (freq: 0.0002), Finnish in 2 of 25790 chromosomes (freq: 0.00008), while the variant was not observed in the African, Other, Ashkenazi Jewish, East Asian, and South Asian populations. The p.Lys295 residue is conserved in mammals and computational analyses (PolyPhen-2, SIFT, AlignGVGD, BLOSUM, MutationTaster) provide inconsistent predictions regarding the impact to the protein; this information is not very predictive of pathogenicity. The variant occurs outside of the splicing consensus sequence and in silico or computational prediction software programs (SpliceSiteFinder, MaxEntScan, NNSPLICE, GeneSplicer) do not predict a difference in splicing. In addition, in vitro study has shown that variant located in substantial amino-terminal region and does not disrupt MSH6 stability and localization signal. In summary, based on the above information the clinical significance of this variant cannot be determined with certainty at this time. This variant is classified as a variant of uncertain significance.

Literature cited by the submitters: PubMed 18566915 (cited by 7 submitters); PubMed 16010685 (cited by 6 submitters); PubMed 23047549 (cited by 5 submitters); PubMed 23621914 (cited by 3 submitters); PubMed 26689913 (cited by Women's Health and Genetics/Laboratory Corporation of America, LabCorp and Sema4); PubMed 26845104 (cited by 4 submitters); PubMed 21437237 (cited by 4 submitters); PubMed 26333163 (cited by Women's Health and Genetics/Laboratory Corporation of America, LabCorp); PubMed 30584090 (cited by Women's Health and Genetics/Laboratory Corporation of America, LabCorp and Color Diagnostics, LLC DBA Color Health); PubMed 32295625 (cited by Women's Health and Genetics/Laboratory Corporation of America, LabCorp); PubMed 32809219 (cited by Women's Health and Genetics/Laboratory Corporation of America, LabCorp and Color Diagnostics, LLC DBA Color Health); PubMed 27363726 (cited by Myriad Genetics, Inc.); PubMed 31391288 (cited by Quest Diagnostics Nichols Institute San Juan Capistrano and Sema4); PubMed 33471991 (cited by Quest Diagnostics Nichols Institute San Juan Capistrano and Sema4); PubMed 34284872 (cited by Quest Diagnostics Nichols Institute San Juan Capistrano); PubMed 34326862 (cited by Quest Diagnostics Nichols Institute San Juan Capistrano); PubMed 39004446 (cited by Quest Diagnostics Nichols Institute San Juan Capistrano); PubMed 30093976 (cited by Sema4); PubMed 28944238 (cited by Sema4).